The following is an entry in ClinVar:

ClinVar aggregate classification (germline): Uncertain significance (1 of 4 stars; one submission).

Conditions:
Autosomal dominant nocturnal frontal lobe epilepsy 5. Also called: KCNT1-Related Epilepsy; CILIARY DYSKINESIA, PRIMARY, 28, WITHOUT SITUS INVERSUS; CILIARY DYSKINESIA, PRIMARY, 28, WITH SITUS INVERSUS; Epilepsy, nocturnal frontal lobe, 5. Identifiers: Orphanet 98784, MedGen C3554306, MONDO:0014002, OMIM 615005.
Developmental and epileptic encephalopathy, 14 (DEE14). Also called: Early infantile epileptic encephalopathy 14. Identifiers: Orphanet 293181, MedGen C3554195, MONDO:0013989, OMIM 614959.

gnomAD v4.1: 5 of 1,599,774 alleles (0.00031%); highest among the groups gnomAD compares: Non-Finnish European, 0.00043%; no homozygotes.

Submission:

Labcorp Genetics (formerly Invitae), Labcorp
Classification: Uncertain significance for Autosomal dominant nocturnal frontal lobe epilepsy 5; Developmental and epileptic encephalopathy, 14. Last evaluated: 2025-12-01. Review status: criteria provided, single submitter. Criteria: Invitae Variant Classification Sherloc (09022015). Collection method: clinical testing. Allele origin: germline.
Comment: This sequence change replaces asparagine, which is neutral and polar, with serine, which is neutral and polar, at codon 603 of the KCNT1 protein (p.Asn603Ser). This variant is not present in population databases (gnomAD no frequency). This variant has not been reported in the literature in individuals affected with KCNT1-related conditions. ClinVar contains an entry for this variant (Variation ID: 3751892). Invitae Evidence Modeling of protein sequence and biophysical properties (such as structural, functional, and spatial information, amino acid conservation, physicochemical variation, residue mobility, and thermodynamic stability) indicates that this missense variant is not expected to disrupt KCNT1 protein function with a negative predictive value of 80%. In summary, the available evidence is currently insufficient to determine the role of this variant in disease. Therefore, it has been classified as a Variant of Uncertain Significance.

NM_020822.3(KCNT1):c.1808A>G (p.Asn603Ser)

Gene: KCNT1 (potassium sodium-activated channel subfamily T member 1; plus strand). Cytogenetic location: 9q34.3.
Variant type: single nucleotide variant.
Coding change: c.1808A>G on transcript NM_020822.3 (MANE Select); coding-DNA position 1808, A replaced by G.
Protein change: p.Asn603Ser; replaces asparagine 603 with serine.
Molecular consequence: missense variant.
Genome position (GRCh38, 1-based): chr9:135,770,895, A>G. VCF-style: chr9-135770895-A-G. GRCh37 (hg19) VCF-style: chr9-138662741-A-G.
Other names: c.1673A>G, p.Asn558Ser (NM_001272003.2); short protein forms N558S, N603S.
Identifiers: ClinVar variation 3751892 (VCV003751892.2).